The following is an entry in ClinVar:

NM_139027.6(ADAMTS13):c.1341G>A (p.Ser447=)

Gene: ADAMTS13 (ADAM metallopeptidase with thrombospondin type 1 motif 13; plus strand). Cytogenetic location: 9q34.2.
Variant type: single nucleotide variant.
Coding change: c.1341G>A on transcript NM_139027.6 (MANE Select); coding-DNA position 1341, G replaced by A.
Protein change: p.Ser447=; no amino-acid change (serine 447 retained).
Molecular consequence: synonymous variant.
Genome position (GRCh38, 1-based): chr9:133,436,861, G>A. VCF-style: chr9-133436861-G-A. GRCh37 (hg19) VCF-style: chr9-136301981-G-A.
Other names: c.1341G>A, p.Ser447= (NM_139025.5); c.1248G>A, p.Ser416= (NM_139026.6).
Identifiers: ClinVar variation 365544 (VCV000365544.8), dbSNP rs587602874, ClinGen allele CA10632751.
Genomic context (GRCh38, chr9:133,436,861, plus strand): 5'-TCCCCCTCCTCTGCCTCCTCCTGGCCAGGCCTGCGAGAAGACCCAGCTGGAGTTCATGTC[G>A]CAACAGTGCGCCAGGACCGACGGCCAGCCGCTGCGCTCCTCCCCTGGCGGCGCCTCCTTC-3'
Protein context (NP_620596.2, residues 437-457): ACEKTQLEFM[Ser447=]QQCARTDGQP

ClinVar aggregate classification (germline): Conflicting classifications of pathogenicity. Review status: criteria provided, conflicting classifications (1 of 4 stars). 4 submissions from 4 submitters: Uncertain significance (1); Likely benign (3). Last evaluated 2026-09-01.

Conditions:
Upshaw-Schulman syndrome (TTP). Also called: THROMBOTIC THROMBOCYTOPENIC PURPURA, HEREDITARY; Congenital thrombotic thrombocytopenic purpura. Identifiers: Orphanet 93583, MedGen C1268935, MONDO:0010122, OMIM 274150.

Allele frequency attached by ClinVar (database versions not stated): TOPMed 0.00011; 1000 Genomes Project 30x 0.00031; 1000 Genomes Project 0.00040.
gnomAD v4.1: 70 of 1,586,156 alleles (0.0044%); highest among the groups gnomAD compares: East Asian, 0.025%; 1 homozygote.

Submissions (4):

CeGaT Center for Human Genetics Tuebingen
Classification: Likely benign. Last evaluated: 2026-09-01. Review status: criteria provided, single submitter. Criteria: CeGaT Center For Human Genetics Tuebingen Variant Classification Criteria Version 2. Collection method: clinical testing. Allele origin: germline. Affected: yes. Observed: 1 variant allele.
Comment: ADAMTS13: BP4, BP7

Labcorp Genetics (formerly Invitae), Labcorp
Classification: Likely benign. Last evaluated: 2025-11-29. Review status: criteria provided, single submitter. Criteria: Invitae Variant Classification Sherloc (09022015). Collection method: clinical testing. Allele origin: germline.

Blueprint Genetics
Classification: Likely benign. Last evaluated: 2024-07-10. Review status: criteria provided, single submitter. Criteria: ACMG Guidelines, 2015. Collection method: clinical testing. Allele origin: germline.

Illumina Laboratory Services, Illumina
Classification: Uncertain significance for Upshaw-Schulman syndrome. Last evaluated: 2018-01-12. Review status: criteria provided, single submitter. Criteria: ICSL Variant Classification Criteria 13 December 2019. Collection method: clinical testing. Allele origin: germline.